The following is an entry in ClinVar:

NM_001105206.3(LAMA4):c.1858G>A (p.Ala620Thr)

Gene: LAMA4 (laminin subunit alpha 4; minus strand). Cytogenetic location: 6q21.
Variant type: single nucleotide variant.
Coding change: c.1858G>A on transcript NM_001105206.3 (MANE Select); coding-DNA position 1858, G replaced by A.
Protein change: p.Ala620Thr; replaces alanine 620 with threonine.
Molecular consequence: missense variant.
Genome position (GRCh38, 1-based): chr6:112,155,666, C>T on the plus strand (G>A on the coding strand, the complement: LAMA4 is on the minus strand). VCF-style: chr6-112155666-C-T. GRCh37 (hg19) VCF-style: chr6-112476868-C-T.
Other names: c.1837G>A (LRG_433t2); c.1837G>A, p.Ala613Thr (NM_001105207.3, NM_002290.5); short protein forms A613T, A620T.
Identifiers: ClinVar variation 191689 (VCV000191689.10), dbSNP rs374001056, ClinGen allele CA237272.
Genomic context (GRCh38, chr6:112,155,666, plus strand): 5'-TTTCATTGGCTTCACTAACATAATTAACAATATTTTCATAGACATTTGATGCATCCAAAG[C>T]CTTCTGTACCAGCCCGTTCATATCTGAACTGTGCAACTTCCTGTTAATAAACAAACATTG-3'
Protein context (NP_001098676.2, residues 610-630): SSDMNGLVQK[Ala620Thr]LDASNVYENI

ClinVar aggregate classification (germline): Uncertain significance. Review status: criteria provided, multiple submitters, no conflicts (2 of 4 stars). 5 submissions from 5 submitters: Uncertain significance (5). Last evaluated 2025-07-29.

Conditions:
Cardiovascular phenotype. Identifiers: MedGen CN230736.
Dilated cardiomyopathy 1JJ (CMD1JJ). Identifiers: Orphanet 154, MedGen C3808935, MONDO:0014095, OMIM 615235.

Allele frequency attached by ClinVar (database versions not stated): ExAC 0.00005; TOPMed 0.00009; gnomAD 0.00007; gnomAD exomes 0.00003; ESP Exome Variant Server 0.00015.
gnomAD v4.1: 19 of 1,614,030 alleles (0.0012%); highest among the groups gnomAD compares: African/African-American, 0.024%; no homozygotes.

Submissions (5):

Labcorp Genetics (formerly Invitae), Labcorp
Classification: Uncertain significance for Dilated cardiomyopathy 1JJ. Last evaluated: 2025-07-29. Review status: criteria provided, single submitter. Criteria: Invitae Variant Classification Sherloc (09022015). Collection method: clinical testing. Allele origin: germline.
Comment: This sequence change replaces alanine, which is neutral and non-polar, with threonine, which is neutral and polar, at codon 613 of the LAMA4 protein (p.Ala613Thr). This variant is present in population databases (rs786205281, gnomAD 0.05%). This variant has not been reported in the literature in individuals affected with LAMA4-related conditions. ClinVar contains an entry for this variant (Variation ID: 191689). Invitae Evidence Modeling of protein sequence and biophysical properties (such as structural, functional, and spatial information, amino acid conservation, physicochemical variation, residue mobility, and thermodynamic stability) has been performed for this missense variant. However, the output from this modeling did not meet the statistical confidence thresholds required to predict the impact of this variant on LAMA4 protein function. In summary, the available evidence is currently insufficient to determine the role of this variant in disease. Therefore, it has been classified as a Variant of Uncertain Significance.

GeneDx
Classification: Uncertain significance. Last evaluated: 2024-07-08. Review status: criteria provided, single submitter. Criteria: GeneDx Variant Classification Process June 2021. Collection method: clinical testing. Allele origin: germline. Affected: yes.
Comment: Has not been previously published as pathogenic or benign in association with a LAMA4-related disorder to our knowledge; In silico analysis supports that this missense variant has a deleterious effect on protein structure/function; This variant is associated with the following publications: (PMID: 23861362)

Ambry Genetics
Classification: Uncertain significance for Cardiovascular phenotype. Last evaluated: 2023-12-22. Review status: criteria provided, single submitter. Criteria: Ambry Variant Classification Scheme 2023. Collection method: clinical testing. Allele origin: germline.
Comment: The p.A613T variant (also known as c.1837G>A), located in coding exon 14 of the LAMA4 gene, results from a G to A substitution at nucleotide position 1837. The alanine at codon 613 is replaced by threonine, an amino acid with similar properties. This alteration has been reported as a secondary cardiac variant in an exome cohort (Ng D et al. Circ Cardiovasc Genet, 2013 Aug;6:337-46). This amino acid position is highly conserved in available vertebrate species. In addition, the in silico prediction for this alteration is inconclusive. Since supporting evidence is limited at this time, the clinical significance of this alteration remains unclear.

Fulgent Genetics
Classification: Uncertain significance for Dilated cardiomyopathy 1JJ. Last evaluated: 2021-10-27. Review status: criteria provided, single submitter. Criteria: ACMG Guidelines, 2015. Collection method: clinical testing. Allele origin: unknown.

Biesecker Lab/Clinical Genomics Section, National Institutes of Health
Classification: Uncertain significance. Last evaluated: 2013-06-24. Review status: criteria provided, single submitter. Criteria: Ng et al. (Circ Cardiovasc Genet. 2013). Collection method: research. Allele origin: unknown. Observed: 1 variant allele. Study: ClinSeq.
Comment: The study set was not selected for affection status in relation to any cancer. Pathogenicity categories were based on literature curation. See Pubmed ID:23861362 for details.

Medical sequencing

Literature cited by the submitters: PubMed 23861362 (cited by Ambry Genetics).